The following is an entry in ClinVar:

NM_017947.4(MOCOS):c.2608G>C (p.Glu870Gln)

Gene: MOCOS (molybdenum cofactor sulfurase; plus strand). Cytogenetic location: 18q12.2.
Variant type: single nucleotide variant.
Coding change: c.2608G>C on transcript NM_017947.4 (MANE Select); coding-DNA position 2608, G replaced by C.
Protein change: p.Glu870Gln; replaces glutamic acid 870 with glutamine.
Molecular consequence: missense variant.
Genome position (GRCh38, 1-based): chr18:36,268,626, G>C. VCF-style: chr18-36268626-G-C. GRCh37 (hg19) VCF-style: chr18-33848589-G-C.
Other names: c.2608G>C (NM_017947.2); short protein forms E870Q.
Identifiers: ClinVar variation 2160359 (VCV002160359.5), dbSNP rs1300593336, ClinGen allele CA402291663.
Genomic context (GRCh38, chr18:36,268,626, plus strand): 5'-TTGGATTTATCCTCCCCATGTTTCCTGTCTGTAGGATCTCAGGTGCTCCCTGTGTTGAAA[G>C]AGAATGTGGAAGGTCATGATTTACCTGCATCTGAGAAACACCAGGATGTTACCTCCTAAA-3'
Protein context (NP_060417.4, residues 860-880): VGSQVLPVLK[Glu870Gln]NVEGHDLPAS

ClinVar aggregate classification (germline): Uncertain significance. Review status: criteria provided, multiple submitters, no conflicts (2 of 4 stars). 2 submissions from 2 submitters: Uncertain significance (2). Last evaluated 2025-04-11.

Conditions:
Xanthinuria type II. Also called: Xanthine dehydrogenase and aldehyde oxidase combined deficiency of; XDH and AOX dual deficiency. Identifiers: Orphanet 3467, Orphanet 93602, MedGen C1863688, MONDO:0011346, OMIM 603592.

Allele frequency attached by ClinVar (database versions not stated): TOPMed below 0.00001.
gnomAD v4.1: 3 of 1,614,082 alleles (0.00019%); highest among the groups gnomAD compares: Non-Finnish European, 0.00025%; no homozygotes.

Submissions (2):

Ambry Genetics
Classification: Uncertain significance. Last evaluated: 2025-04-11. Review status: criteria provided, single submitter. Criteria: Ambry Variant Classification Scheme 2023. Collection method: clinical testing. Allele origin: germline.

Labcorp Genetics (formerly Invitae), Labcorp
Classification: Uncertain significance for Xanthinuria type II. Last evaluated: 2022-06-30. Review status: criteria provided, single submitter. Criteria: Invitae Variant Classification Sherloc (09022015). Collection method: clinical testing. Allele origin: germline.
Comment: This sequence change replaces glutamic acid, which is acidic and polar, with glutamine, which is neutral and polar, at codon 870 of the MOCOS protein (p.Glu870Gln). In summary, the available evidence is currently insufficient to determine the role of this variant in disease. Therefore, it has been classified as a Variant of Uncertain Significance. Algorithms developed to predict the effect of missense changes on protein structure and function output the following: SIFT: "Tolerated"; PolyPhen-2: "Benign"; Align-GVGD: "Class C0". The glutamine amino acid residue is found in multiple mammalian species, which suggests that this missense change does not adversely affect protein function. This variant has not been reported in the literature in individuals affected with MOCOS-related conditions. This variant is not present in population databases (gnomAD no frequency).